The following is an entry in ClinVar:

ClinVar aggregate classification (germline): Likely benign (1 of 4 stars; one submission).

Submission:

CeGaT Center for Human Genetics Tuebingen
Classification: Likely benign. Last evaluated: 2022-08-01. Review status: criteria provided, single submitter. Criteria: CeGaT Center For Human Genetics Tuebingen Variant Classification Criteria Version 2. Collection method: clinical testing. Allele origin: germline. Affected: yes. Observed: 1 variant allele.
Comment: SCN1A: PM2:Supporting, BP4, BP7

NM_001165963.4(SCN1A):c.4431G>T (p.Leu1477=)

Genes: SCN1A (sodium voltage-gated channel alpha subunit 1; minus strand), LOC102724058 (uncharacterized LOC102724058; plus strand). Cytogenetic location: 2q24.3.
Variant type: single nucleotide variant.
Coding change: c.4431G>T on transcript NM_001165963.4 (MANE Select); coding-DNA position 4431, G replaced by T.
Protein change: p.Leu1477=; no amino-acid change (leucine 1477 retained).
Molecular consequence: synonymous variant. On other transcripts: non-coding transcript variant (1).
Genome position (GRCh38, 1-based): chr2:165,998,083, C>A on the plus strand (G>T on the coding strand, the complement: SCN1A is on the minus strand). VCF-style: chr2-165998083-C-A. GRCh37 (hg19) VCF-style: chr2-166854593-C-A.
Other names: c.4347G>T, p.Leu1449= (NM_001165964.3, NM_001353957.2, NM_001353958.2); c.4431G>T, p.Leu1477= (NM_001202435.3, NM_001353948.2); c.4398G>T, p.Leu1466= (NM_001353949.2, NM_001353950.2, NM_001353951.2 and 2 more transcripts); c.4395G>T, p.Leu1465= (NM_001353954.2, NM_001353955.2); c.4344G>T, p.Leu1448= (NM_001353960.2); c.1989G>T, p.Leu663= (NM_001353961.2).
Identifiers: ClinVar variation 2651497 (VCV002651497.24), dbSNP rs2468393950, ClinGen allele CA429892917.